The following is an entry in ClinVar:

NM_001349338.3(FOXP1):c.830C>G (p.Thr277Ser)

Gene: FOXP1 (forkhead box P1; minus strand). Cytogenetic location: 3p13.
Variant type: single nucleotide variant.
Coding change: c.830C>G on transcript NM_001349338.3 (MANE Select); coding-DNA position 830, C replaced by G.
Protein change: p.Thr277Ser; replaces threonine 277 with serine.
Molecular consequence: missense variant. On other transcripts: non-coding transcript variant (2).
Genome position (GRCh38, 1-based): chr3:71,041,367, G>C on the plus strand (C>G on the coding strand, the complement: FOXP1 is on the minus strand). VCF-style: chr3-71041367-G-C. GRCh37 (hg19) VCF-style: chr3-71090518-G-C.
Other names: c.830C>G, p.Thr277Ser (NM_001244808.3, NM_001244810.2, NM_001244814.3 and 3 more transcripts); c.602C>G, p.Thr201Ser (NM_001244812.3); c.530C>G, p.Thr177Ser (NM_001244813.3, NM_001244815.2, NM_001349342.3 and 1 more transcripts); c.527C>G, p.Thr176Ser (NM_001349337.2, NM_001349343.3, NM_001349344.3); c.827C>G, p.Thr276Ser (NM_001349341.3); short protein forms T176S, T177S, T201S, T276S, T277S.
Identifiers: ClinVar variation 3665871 (VCV003665871.2).

ClinVar aggregate classification (germline): Uncertain significance (1 of 4 stars; one submission).

Submission:

Labcorp Genetics (formerly Invitae), Labcorp
Classification: Uncertain significance. Last evaluated: 2024-09-12. Review status: criteria provided, single submitter. Criteria: Invitae Variant Classification Sherloc (09022015). Collection method: clinical testing. Allele origin: germline.
Comment: This sequence change replaces threonine, which is neutral and polar, with serine, which is neutral and polar, at codon 277 of the FOXP1 protein (p.Thr277Ser). This variant is not present in population databases (gnomAD no frequency). This variant has not been reported in the literature in individuals affected with FOXP1-related conditions. Invitae Evidence Modeling of protein sequence and biophysical properties (such as structural, functional, and spatial information, amino acid conservation, physicochemical variation, residue mobility, and thermodynamic stability) indicates that this missense variant is not expected to disrupt FOXP1 protein function with a negative predictive value of 95%. In summary, the available evidence is currently insufficient to determine the role of this variant in disease. Therefore, it has been classified as a Variant of Uncertain Significance.